The following is an entry in ClinVar:

ClinVar aggregate classification (germline): Likely benign (1 of 4 stars; one submission).

Allele frequency attached by ClinVar (database versions not stated): TOPMed below 0.00001; gnomAD 0.00001.
gnomAD v4.1: 18 of 1,612,648 alleles (0.0011%); highest among the groups gnomAD compares: Middle Eastern, 0.016%; no homozygotes.

Submission:

CeGaT Center for Human Genetics Tuebingen
Classification: Likely benign. Last evaluated: 2023-08-01. Review status: criteria provided, single submitter. Criteria: CeGaT Center For Human Genetics Tuebingen Variant Classification Criteria Version 2. Collection method: clinical testing. Allele origin: germline. Affected: yes. Observed: 1 variant allele.
Comment: PDE1C: BP4, BP7

NM_001191057.4(PDE1C):c.1941G>A (p.Thr647=)

Gene: PDE1C (phosphodiesterase 1C; minus strand). Cytogenetic location: 7p14.3.
Variant type: single nucleotide variant.
Coding change: c.1941G>A on transcript NM_001191057.4 (MANE Select); coding-DNA position 1941, G replaced by A.
Protein change: p.Thr647=; no amino-acid change (threonine 647 retained).
Molecular consequence: synonymous variant.
Genome position (GRCh38, 1-based): chr7:31,775,683, C>T on the plus strand (G>A on the coding strand, the complement: PDE1C is on the minus strand). VCF-style: chr7-31775683-C-T. GRCh37 (hg19) VCF-style: chr7-31815297-C-T.
Other names: c.1941G>A, p.Thr647= (NM_001191059.4, NM_001322055.2); c.2121G>A, p.Thr707= (NM_001191058.4).
Identifiers: ClinVar variation 2657378 (VCV002657378.24), dbSNP rs763436818, ClinGen allele CA156198413.
Genomic context (GRCh38, chr7:31,775,683, plus strand): 5'-TCTGTGGTCACTAAGATAATGGTGCAATGCTGTTTACCCACCTGGCAACGTAAGGCGACA[C>T]GTGGAGCTGGTGCTTGGGGCTGGTGAGCCGTGAGAACGCTGTTTTGTGCCTGTGAAGAGG-3'
Protein context (NP_001177986.1, residues 637-657): HGSPAPSTSS[Thr647=]CRLTLPVIKP